The following is an entry in ClinVar:

ClinVar aggregate classification (germline): Uncertain significance (1 of 4 stars; one submission).

Allele frequency attached by ClinVar (database versions not stated): gnomAD exomes below 0.00001; TOPMed below 0.00001.
gnomAD v4.1: 3 of 1,611,960 alleles (0.00019%); highest among the groups gnomAD compares: African/African-American, 0.0013%; no homozygotes.

Submission:

Labcorp Genetics (formerly Invitae), Labcorp
Classification: Uncertain significance. Last evaluated: 2022-06-13. Review status: criteria provided, single submitter. Criteria: Invitae Variant Classification Sherloc (09022015). Collection method: clinical testing. Allele origin: germline.
Comment: This sequence change replaces isoleucine with threonine at codon 85 of the UNC45A protein (p.Ile85Thr). The isoleucine residue is moderately conserved and there is a moderate physicochemical difference between isoleucine and threonine. This variant is not present in population databases (gnomAD no frequency). This variant has not been reported in the literature in individuals affected with UNC45A-related conditions. Algorithms developed to predict the effect of missense changes on protein structure and function are either unavailable or do not agree on the potential impact of this missense change (SIFT: "Not Available"; PolyPhen-2: "Probably Damaging"; Align-GVGD: "Not Available"). In summary, the available evidence is currently insufficient to determine the role of this variant in disease. Therefore, it has been classified as a Variant of Uncertain Significance.

NM_018671.5(UNC45A):c.254T>C (p.Ile85Thr)

Gene: UNC45A (unc-45 myosin chaperone A; plus strand). Cytogenetic location: 15q26.1.
Variant type: single nucleotide variant.
Coding change: c.254T>C on transcript NM_018671.5 (MANE Select); coding-DNA position 254, T replaced by C.
Protein change: p.Ile85Thr; replaces isoleucine 85 with threonine.
Molecular consequence: missense variant. On other transcripts: 5 prime UTR variant (1).
Genome position (GRCh38, 1-based): chr15:90,936,288, T>C. VCF-style: chr15-90936288-T-C. GRCh37 (hg19) VCF-style: chr15-91479518-T-C.
Other names: c.-182T>C (NM_001323620.2); c.209T>C, p.Ile70Thr (NM_001323621.2, NM_001039675.2); c.254T>C, p.Ile85Thr (NM_001323619.1); short protein forms I70T, I85T.
Identifiers: ClinVar variation 1377851 (VCV001377851.3), dbSNP rs2036014748, ClinGen allele CA393890678.
Genomic context (GRCh38, chr15:90,936,288, plus strand): 5'-CTCTTGCCTGGAGACAGTGGCCTCATGGGTGCTGACAGCGCTCCTGTTTGTGCTCAGCCA[T>C]TGAAAAGGATGGTGGGGATGTCAAAGCACTCTACCGGCGGAGCCAAGCCCTAGAGAAGCT-3'
Protein context (NP_061141.2, residues 75-95): DKAETEASKA[Ile85Thr]EKDGGDVKAL